The following is an entry in ClinVar:

ClinVar aggregate classification (germline): Uncertain significance. Review status: criteria provided, multiple submitters, no conflicts (2 of 4 stars). 9 submissions from 6 submitters: Uncertain significance (9). Last evaluated 2025-02-13.

Conditions:
Hypokalemic periodic paralysis, type 1. Also called: HypoPP; Hypokalemic Periodic Paralysis Type 1 (AD). Identifiers: Orphanet 681, MedGen C3714580, MONDO:0042979, OMIM 170400.
Malignant hyperthermia, susceptibility to, 5 (MHS5). Also called: CACNA1S-Related Malignant Hyperthermia Susceptibility. Identifiers: Orphanet 423, MedGen C1866077, MONDO:0011163, OMIM 601887.
Congenital myopathy 18. Also called: DIHYDROPYRIDINE RECEPTOR CONGENITAL MYOPATHY; DHPR CONGENITAL MYOPATHY; Myopathy, congenital, due to dihydropyridine receptor defect. Identifiers: MedGen C5830283, MONDO:0859514, OMIM 620246.
Thyrotoxic periodic paralysis, susceptibility to, 1 (TTPP1). Identifiers: Orphanet 79102, MedGen C2749982, MONDO:0008570, OMIM 188580.

Allele frequency attached by ClinVar (database versions not stated): gnomAD 0.00006; TOPMed 0.00012; ESP Exome Variant Server 0.00015.
gnomAD v4.1: 156 of 1,614,206 alleles (0.0097%); highest among the groups gnomAD compares: Middle Eastern, 0.033%; no homozygotes.

Submissions (9):

GeneDx
Classification: Uncertain significance. Last evaluated: 2025-02-13. Review status: criteria provided, single submitter. Criteria: GeneDx Variant Classification Process June 2021. Collection method: clinical testing. Allele origin: germline. Affected: yes.
Comment: Has not been previously reported in a peer-reviewed publication as pathogenic or benign to our knowledge. However, has been reported in an individual with periodic paralysis in an abstract (Iyadurai S. et al. 2015 Neuromuscular Disorders. 25 (S210) (15)00276-X/abstract); In silico analysis supports that this missense variant has a deleterious effect on protein structure/function; This variant is associated with the following publications: (PMID: Iyadurai_2015_Abstract)

Fulgent Genetics
Classification: Uncertain significance for Hypokalemic periodic paralysis, type 1; Thyrotoxic periodic paralysis, susceptibility to, 1; Malignant hyperthermia, susceptibility to, 5; Congenital myopathy 18. Last evaluated: 2024-04-30. Review status: criteria provided, single submitter. Criteria: ACMG Guidelines, 2015. Collection method: clinical testing. Allele origin: germline.

Color Diagnostics, LLC DBA Color Health
Classification: Uncertain significance for Malignant hyperthermia, susceptibility to, 5. Last evaluated: 2024-02-13. Review status: criteria provided, single submitter. Criteria: ACMG Guidelines, 2015. Collection method: clinical testing. Allele origin: germline.
Comment: This missense variant replaces threonine with methionine at codon 1009 of the CACNA1S protein. Computational prediction suggests that this variant may have deleterious impact on protein structure and function (internally defined REVEL score threshold >= 0.7, PMID: 27666373). To our knowledge, functional studies have not been reported for this variant. This variant has been reported in one family affected with malignant hyperthermia susceptibility, but the variant did not uniformly co-segregate with disease (PMID: 25658027). This variant has been identified in 23/282762 chromosomes in the general population by the Genome Aggregation Database (gnomAD). The available evidence is insufficient to determine the role of this variant in disease conclusively. Therefore, this variant is classified as a Variant of Uncertain Significance.

Genome-Nilou Lab
Classification: Uncertain significance for Malignant hyperthermia, susceptibility to, 5. Last evaluated: 2023-04-11. Review status: criteria provided, single submitter. Criteria: ACMG Guidelines, 2015. Collection method: clinical testing. Allele origin: germline. Affected: no.

Genome-Nilou Lab
Classification: Uncertain significance for Thyrotoxic periodic paralysis, susceptibility to, 1. Last evaluated: 2023-04-11. Review status: criteria provided, single submitter. Criteria: ACMG Guidelines, 2015. Collection method: clinical testing. Allele origin: germline. Affected: no.

Genome-Nilou Lab
Classification: Uncertain significance for Congenital myopathy 18. Last evaluated: 2023-04-11. Review status: criteria provided, single submitter. Criteria: ACMG Guidelines, 2015. Collection method: clinical testing. Allele origin: germline. Affected: no.

Genome-Nilou Lab
Classification: Uncertain significance for Hypokalemic periodic paralysis, type 1. Last evaluated: 2023-04-11. Review status: criteria provided, single submitter. Criteria: ACMG Guidelines, 2015. Collection method: clinical testing. Allele origin: germline. Affected: no.

Labcorp Genetics (formerly Invitae), Labcorp
Classification: Uncertain significance for Hypokalemic periodic paralysis, type 1; Malignant hyperthermia, susceptibility to, 5. Last evaluated: 2022-11-03. Review status: criteria provided, single submitter. Criteria: Invitae Variant Classification Sherloc (09022015). Collection method: clinical testing. Allele origin: germline.
Comment: This sequence change replaces threonine, which is neutral and polar, with methionine, which is neutral and non-polar, at codon 1009 of the CACNA1S protein (p.Thr1009Met). This variant is present in population databases (rs200224590, gnomAD 0.02%). This variant has not been reported in the literature in individuals affected with CACNA1S-related conditions. ClinVar contains an entry for this variant (Variation ID: 265070). Advanced modeling of protein sequence and biophysical properties (such as structural, functional, and spatial information, amino acid conservation, physicochemical variation, residue mobility, and thermodynamic stability) performed at Invitae indicates that this missense variant is not expected to disrupt CACNA1S protein function. In summary, the available evidence is currently insufficient to determine the role of this variant in disease. Therefore, it has been classified as a Variant of Uncertain Significance.

Institute of Human Genetics, University of Leipzig Medical Center
Classification: Uncertain significance for Malignant hyperthermia, susceptibility to, 5. Last evaluated: 2022-10-27. Review status: criteria provided, single submitter. Criteria: ACMG Guidelines, 2015. Collection method: clinical testing. Allele origin: maternal. Inheritance: Autosomal dominant inheritance. Affected: yes.

Literature cited by the submitters: PubMed 25658027 (cited by Color Diagnostics, LLC DBA Color Health).

NM_000069.3(CACNA1S):c.3026C>T (p.Thr1009Met)

Gene: CACNA1S (calcium voltage-gated channel subunit alpha1 S; minus strand). Cytogenetic location: 1q32.1.
Variant type: single nucleotide variant.
Coding change: c.3026C>T on transcript NM_000069.3 (MANE Select); coding-DNA position 3026, C replaced by T.
Protein change: p.Thr1009Met; replaces threonine 1009 with methionine.
Molecular consequence: missense variant.
Genome position (GRCh38, 1-based): chr1:201,061,971, G>A on the plus strand (C>T on the coding strand, the complement: CACNA1S is on the minus strand). VCF-style: chr1-201061971-G-A. GRCh37 (hg19) VCF-style: chr1-201031099-G-A.
Other names: short protein forms T1009M.
Identifiers: ClinVar variation 265070 (VCV000265070.13), dbSNP rs200224590, ClinGen allele CA079485.